The following is an entry in ClinVar:

NM_000059.4(BRCA2):c.5455_5456delinsTT (p.Pro1819Phe)

Gene: BRCA2 (BRCA2 DNA repair associated; plus strand). Cytogenetic location: 13q13.1.
Variant type: Indel.
Coding change: c.5455_5456delinsTT on transcript NM_000059.4 (MANE Select); coding-DNA positions 5455 to 5456, CC replaced by TT.
Protein change: p.Pro1819Phe; replaces proline 1819 with phenylalanine.
Molecular consequence: missense variant. On other transcripts: non-coding transcript variant (1), intron variant (2).
Genome position (GRCh38, 1-based): chr13:32,339,810-32,339,811, CC replaced by TT. VCF-style: chr13-32339810-CC-TT. GRCh37 (hg19) VCF-style: chr13-32913947-CC-TT.
Other names: c.5455_5456delinsTT, p.Pro1819Phe (NM_001406719.1, NM_001406720.1); c.1910-4748_1910-4747delinsTT (NM_001406721.1); c.425-4748_425-4747delinsTT (NM_001406722.1); short protein forms P1819F.
Identifiers: ClinVar variation 2816071 (VCV002816071.3), dbSNP rs2548530853, ClinGen allele CA2739277504.

ClinVar aggregate classification (germline): Uncertain significance (1 of 4 stars; one submission).

Conditions:
Hereditary breast ovarian cancer syndrome. Also called: Hereditary breast and ovarian cancer; BRCA1- and BRCA2-Associated Hereditary Breast and Ovarian Cancer; Hereditary breast and ovarian cancer syndrome; Breast and ovarian cancer; Hereditary breast and ovarian cancer syndrome (HBOC); Hereditary breast and/or ovarian cancer syndrome. Identifiers: Orphanet 145, MedGen C0677776, MeSH D061325, MONDO:0003582. Disease mechanism: loss of function.

Submission:

Labcorp Genetics (formerly Invitae), Labcorp
Classification: Uncertain significance for Hereditary breast ovarian cancer syndrome. Last evaluated: 2022-11-23. Review status: criteria provided, single submitter. Criteria: Invitae Variant Classification Sherloc (09022015). Collection method: clinical testing. Allele origin: germline.
Comment: In summary, the available evidence is currently insufficient to determine the role of this variant in disease. Therefore, it has been classified as a Variant of Uncertain Significance. Algorithms developed to predict the effect of missense changes on protein structure and function are either unavailable or do not agree on the potential impact of this missense change (SIFT: "Not Available"; PolyPhen-2: "Possibly Damaging"; Align-GVGD: "Not Available"). This variant has not been reported in the literature in individuals affected with BRCA2-related conditions. Information on the frequency of this variant in the gnomAD database is not available, as this variant may be reported differently in the database. This sequence change replaces proline, which is neutral and non-polar, with phenylalanine, which is neutral and non-polar, at codon 1819 of the BRCA2 protein (p.Pro1819Phe).